The following is an entry in ClinVar:

NM_001009944.3(PKD1):c.7848C>T (p.Val2616=)

Gene: PKD1 (polycystin 1, transient receptor potential channel interacting; minus strand). Cytogenetic location: 16p13.3.
Variant type: single nucleotide variant.
Coding change: c.7848C>T on transcript NM_001009944.3 (MANE Select); coding-DNA position 7848, C replaced by T.
Protein change: p.Val2616=; no amino-acid change (valine 2616 retained).
Molecular consequence: synonymous variant.
Genome position (GRCh38, 1-based): chr16:2,105,880, G>A on the plus strand (C>T on the coding strand, the complement: PKD1 is on the minus strand). VCF-style: chr16-2105880-G-A. GRCh37 (hg19) VCF-style: chr16-2155881-G-A.
Other names: c.7848C>T, p.Val2616= (NM_000296.4); c.7848C>T (NM_001009944.2).
Identifiers: ClinVar variation 805185 (VCV000805185.28), dbSNP rs143124196, ClinGen allele CA7830884.

ClinVar aggregate classification (germline): Benign/Likely benign. Review status: criteria provided, multiple submitters, no conflicts (2 of 4 stars). 5 submissions from 5 submitters: Benign (1); Likely benign (4). Last evaluated 2024-11-11.

Conditions:
Polycystic kidney disease, adult type (PKD1). Also called: Polycystic Kidney Disease 1, Autosomal Dominant; Polycystic kidney disease 1; Polycystic kidney disease 1, severe; POLYCYSTIC KIDNEY DISEASE, ADULT, TYPE I; POLYCYSTIC KIDNEY DISEASE 1 WITH OR WITHOUT POLYCYSTIC LIVER DISEASE; Polycystic Kidney, Autosomal Dominant. Identifiers: MedGen C3149841, MONDO:0008263, OMIM 173900.

Allele frequency attached by ClinVar (database versions not stated): gnomAD 0.00013; gnomAD exomes 0.00020 and 0.00045; ESP Exome Variant Server 0.00026; ExAC 0.00030; TOPMed 0.00088; 1000 Genomes Project 30x 0.00094; 1000 Genomes Project 0.00100.
gnomAD v4.1: 419 of 1,596,196 alleles (0.026%); highest among the groups gnomAD compares: Middle Eastern, 0.14%; 1 homozygote.

Submissions (5):

Blueprint Genetics
Classification: Likely benign. Last evaluated: 2024-11-11. Review status: criteria provided, single submitter. Criteria: ACMG Guidelines, 2015. Collection method: clinical testing. Allele origin: germline.

CeGaT Center for Human Genetics Tuebingen
Classification: Likely benign. Last evaluated: 2024-04-01. Review status: criteria provided, single submitter. Criteria: CeGaT Center For Human Genetics Tuebingen Variant Classification Criteria Version 2. Collection method: clinical testing. Allele origin: germline. Affected: yes. Observed: 3 variant alleles.
Comment: PKD1: BP4, BP7

Fulgent Genetics
Classification: Likely benign for Polycystic kidney disease, adult type. Last evaluated: 2021-09-21. Review status: criteria provided, single submitter. Criteria: ACMG Guidelines, 2015. Collection method: clinical testing. Allele origin: unknown.

Department of Pathology and Laboratory Medicine, Sinai Health System
Classification: Likely benign for Polycystic kidney disease, adult type. Last evaluated: 2019-12-18. Review status: criteria provided, single submitter. Criteria: ACMG Guidelines, 2015. Collection method: clinical testing. Allele origin: germline. Affected: yes.

Athena Diagnostics
Classification: Benign. Last evaluated: 2019-01-28. Review status: criteria provided, single submitter. Criteria: Athena Diagnostics Criteria. Collection method: clinical testing. Allele origin: germline.